The following is an entry in ClinVar:

NM_001039213.4(CEACAM16):c.636C>T (p.Ser212=)

Genes: CEACAM16 (CEA cell adhesion molecule 16, tectorial membrane component; plus strand), CEACAM16-AS1 (CEACAM16, CEACAM19 and PVR antisense RNA 1; minus strand). Cytogenetic location: 19q13.32.
Variant type: single nucleotide variant.
Coding change: c.636C>T on transcript NM_001039213.4 (MANE Select); coding-DNA position 636, C replaced by T.
Protein change: p.Ser212=; no amino-acid change (serine 212 retained).
Molecular consequence: synonymous variant.
Genome position (GRCh38, 1-based): chr19:44,704,271, C>T. VCF-style: chr19-44704271-C-T. GRCh37 (hg19) VCF-style: chr19-45207541-C-T.
Identifiers: ClinVar variation 1303072 (VCV001303072.3), dbSNP rs915972808, ClinGen allele CA308870306.

ClinVar aggregate classification (germline): Conflicting classifications of pathogenicity. Review status: criteria provided, conflicting classifications (1 of 4 stars). 2 submissions from 2 submitters: Uncertain significance (1); Likely benign (1). Last evaluated 2021-04-09.

Allele frequency attached by ClinVar (database versions not stated): gnomAD 0.00002.

Submissions (2):

GeneDx
Classification: Uncertain significance. Last evaluated: 2021-04-09. Review status: criteria provided, single submitter. Criteria: GeneDx Variant Classification Process June 2021. Collection method: clinical testing. Allele origin: germline. Affected: yes.
Comment: Has not been previously published as pathogenic or benign to our knowledge; In silico analysis, which includes splice predictors and evolutionary conservation, suggests this variant may impact gene splicing. In the absence of RNA/functional studies, the actual effect of this sequence change is unknown.

Blueprint Genetics
Classification: Likely benign. Last evaluated: 2020-12-31. Review status: criteria provided, single submitter. Criteria: ACMG Guidelines, 2015. Collection method: clinical testing. Allele origin: germline.